The following is an entry in ClinVar:

ClinVar aggregate classification (germline): Uncertain significance (1 of 4 stars; one submission).

Allele frequency attached by ClinVar (database versions not stated): gnomAD exomes below 0.00001.
gnomAD v4.1: 1 of 1,551,522 alleles (0.000064%); highest among the groups gnomAD compares: Non-Finnish European, 0.000087%; no homozygotes.

Submission:

Labcorp Genetics (formerly Invitae), Labcorp
Classification: Uncertain significance. Last evaluated: 2022-07-19. Review status: criteria provided, single submitter. Criteria: Invitae Variant Classification Sherloc (09022015). Collection method: clinical testing. Allele origin: germline.
Comment: This sequence change replaces phenylalanine, which is neutral and non-polar, with leucine, which is neutral and non-polar, at codon 81 of the ARHGEF18 protein (p.Phe81Leu). In summary, the available evidence is currently insufficient to determine the role of this variant in disease. Therefore, it has been classified as a Variant of Uncertain Significance. Algorithms developed to predict the effect of missense changes on protein structure and function output the following: SIFT: "Deleterious"; PolyPhen-2: "Benign"; Align-GVGD: "Class C0". The leucine amino acid residue is found in multiple mammalian species, which suggests that this missense change does not adversely affect protein function. This variant has not been reported in the literature in individuals affected with ARHGEF18-related conditions. This variant is not present in population databases (gnomAD no frequency).

NM_001367823.1(ARHGEF18):c.968-161C>G

Gene: ARHGEF18 (Rho/Rac guanine nucleotide exchange factor 18; plus strand). Cytogenetic location: 19p13.2.
Variant type: single nucleotide variant.
Coding change: c.968-161C>G on transcript NM_001367823.1 (MANE Select); 161 bases into the intron before coding-DNA position 968, C replaced by G.
Molecular consequence: intron variant. On other transcripts: missense variant (1).
Genome position (GRCh38, 1-based): chr19:7,440,183, C>G. VCF-style: chr19-7440183-C-G. GRCh37 (hg19) VCF-style: chr19-7505069-C-G.
Other names: c.81C>G, p.Phe27Leu (NM_001130955.2); c.-226-6C>G (NM_001367824.1); c.-71-161C>G (NM_015318.4); short protein forms F27L.
Identifiers: ClinVar variation 1966542 (VCV001966542.5), dbSNP rs747571450, ClinGen allele CA403094166.